The following is an entry in ClinVar:

NM_005359.6(SMAD4):c.1473T>A (p.Gly491=)

Gene: SMAD4 (SMAD family member 4; plus strand). Cytogenetic location: 18q21.2.
Variant type: single nucleotide variant.
Coding change: c.1473T>A on transcript NM_005359.6 (MANE Select); coding-DNA position 1473, T replaced by A.
Protein change: p.Gly491=; no amino-acid change (glycine 491 retained).
Molecular consequence: synonymous variant. On other transcripts: non-coding transcript variant (1).
Genome position (GRCh38, 1-based): chr18:51,078,281, T>A. VCF-style: chr18-51078281-T-A. GRCh37 (hg19) VCF-style: chr18-48604651-T-A.
Other names: c.1473T>A, p.Gly491= (NM_001407041.1, NM_001407042.1).
Identifiers: ClinVar variation 3904044 (VCV003904044.1).

ClinVar aggregate classification (germline): Benign (1 of 4 stars; one submission).

Conditions:
Juvenile polyposis/hereditary hemorrhagic telangiectasia syndrome (JPHT). Also called: JP/HHT SYNDROME; JUVENILE POLYPOSIS WITH HEREDITARY HEMORRHAGIC TELANGIECTASIA; POLYPOSIS, GENERALIZED JUVENILE, WITH PULMONARY ARTERIOVENOUS MALFORMATION; TELANGIECTASIA, HEREDITARY HEMORRHAGIC, WITH JUVENILE POLYPOSIS COLI; Juvenile Polyposis Syndrome / Hereditary Hemorrhagic Telangiectasia (JPS/HHT). Identifiers: Orphanet 2929, MedGen C1832942, MONDO:0008278, OMIM 175050.

Submission:

Myriad Genetics, Inc.
Classification: Benign for Juvenile polyposis/hereditary hemorrhagic telangiectasia syndrome. Last evaluated: 2025-03-24. Review status: criteria provided, single submitter. Criteria: Myriad Autosomal Dominant, Autosomal Recessive and X-Linked Classification Criteria (2023). Collection method: clinical testing. Allele origin: unknown.
Comment: This variant is considered benign. This variant is a silent/synonymous amino acid change and it is not expected to impact splicing.